The following is an entry in ClinVar:

NM_000088.4(COL1A1):c.457_458insTC (p.Pro153fs)

Gene: COL1A1 (collagen type I alpha 1 chain; minus strand). Cytogenetic location: 17q21.33.
Variant type: Insertion.
Coding change: c.457_458insTC on transcript NM_000088.4 (MANE Select); coding-DNA positions 457 to 458, TC inserted.
Protein change: p.Pro153fs; shifts the reading frame from proline 153.
Molecular consequence: frameshift variant.
Genome position: GRCh38 VCF-style: chr17-50199239-G-GGA. GRCh37 (hg19) VCF-style: chr17-48276600-G-GGA.
Other names: short protein forms P153fs.
Identifiers: ClinVar variation 3649870 (VCV003649870.2).

ClinVar aggregate classification (germline): Pathogenic (1 of 4 stars; one submission).

Conditions:
Osteogenesis imperfecta type I (OI1). Also called: Classic Non-deforming Osteogenesis Imperfecta with Blue Sclerae; OI, TYPE I; OSTEOGENESIS IMPERFECTA TARDA; OSTEOGENESIS IMPERFECTA WITH BLUE SCLERAE; Osteogenesis imperfecta type 1; Lobstein's Disease. Identifiers: Orphanet 216796, Orphanet 666, MedGen C0023931, MONDO:0008146, OMIM 166200. Disease mechanism: loss of function.

Submission:

Labcorp Genetics (formerly Invitae), Labcorp
Classification: Pathogenic for Osteogenesis imperfecta type I. Last evaluated: 2024-04-14. Review status: criteria provided, single submitter. Criteria: Invitae Variant Classification Sherloc (09022015). Collection method: clinical testing. Allele origin: germline.
Comment: This sequence change creates a premature translational stop signal (p.Pro153Leufs*113) in the COL1A1 gene. It is expected to result in an absent or disrupted protein product. Loss-of-function variants in COL1A1 are known to be pathogenic (PMID: 7942841, 9295084, 9443882). This variant is not present in population databases (gnomAD no frequency). This variant has not been reported in the literature in individuals affected with COL1A1-related conditions. For these reasons, this variant has been classified as Pathogenic.

Literature cited by the submitters: PubMed 7942841; PubMed 9295084; PubMed 9443882.